The following is an entry in ClinVar:

NM_001009944.3(PKD1):c.11778dup (p.Arg3927fs)

Gene: PKD1 (polycystin 1, transient receptor potential channel interacting; minus strand). Cytogenetic location: 16p13.3.
Variant type: Duplication.
Coding change: c.11778dup on transcript NM_001009944.3 (MANE Select); coding-DNA position 11778, one base duplicated (G; older notation c.11778dupG).
Protein change: p.Arg3927fs; shifts the reading frame from arginine 3927.
Molecular consequence: frameshift variant.
Genome position (GRCh38, 1-based): chr16:2,091,109, C duplicated on the plus strand (G on the coding strand, the reverse complement: PKD1 is on the minus strand); the first of 3 consecutive C bases (chr16:2,091,109-2,091,111); duplicating any one gives the same sequence. VCF-style (leftmost placement, unchanged base first): chr16-2091108-G-GC. GRCh37 (hg19) VCF-style: chr16-2141109-G-GC.
Other names: c.11775dup, p.Arg3926fs (NM_000296.4); short protein forms R3926fs, R3927fs.
Identifiers: ClinVar variation 2291342 (VCV002291342.2), dbSNP rs2544599759, ClinGen allele CA2580091182.
Genomic context (GRCh38, chr16:2,091,108, plus strand): 5'-CCGCCGTCAGCGCCACCAGCAGCCACCGCGCCCAGGCTCCGAGCCGCAGCACGCGCCAGC[G>GC]CCCTTCCCTGTGCCAAGTACGGGCCTCGGCCACGGCGAAGTGCACGGCGAACAGCAGCAG-3'

ClinVar aggregate classification (germline): Pathogenic (1 of 4 stars; one submission).

Conditions:
Inborn genetic diseases. Identifiers: MedGen C0950123, MeSH D030342.

Submission:

Ambry Genetics
Classification: Pathogenic for Inborn genetic diseases. Last evaluated: 2022-06-02. Review status: criteria provided, single submitter. Criteria: Ambry Variant Classification Scheme 2023. Collection method: clinical testing. Allele origin: germline.
Comment: The c.11775dupG (p.R3926Afs*34) alteration, located in exon 43 (coding exon 43) of the PKD1 gene, consists of a duplication of G at position 11775, causing a translational frameshift with a predicted alternate stop codon after 34 amino acids. This alteration is expected to result in loss of function by premature protein truncation or nonsense-mediated mRNA decay. This variant was not reported in population-based cohorts in the Genome Aggregation Database (gnomAD). Based on the available evidence, this alteration is classified as pathogenic.